The following is an entry in ClinVar:

ClinVar aggregate classification (germline): Conflicting classifications of pathogenicity. Review status: criteria provided, conflicting classifications (1 of 4 stars). 3 submissions from 3 submitters: Uncertain significance (2); Likely benign (1). Last evaluated 2025-12-16.

Conditions:
Hypokalemic periodic paralysis, type 1. Also called: Hypokalemic Periodic Paralysis Type 1 (AD); HypoPP. Identifiers: Orphanet 681, MedGen C3714580, MONDO:0042979, OMIM 170400.
Malignant hyperthermia, susceptibility to, 5 (MHS5). Also called: CACNA1S-Related Malignant Hyperthermia Susceptibility. Identifiers: Orphanet 423, MedGen C1866077, MONDO:0011163, OMIM 601887.

Allele frequency attached by ClinVar (database versions not stated): ExAC 0.00001; gnomAD exomes 0.00001 and 0.00002; TOPMed 0.00002; gnomAD 0.00003.
gnomAD v4.1: 38 of 1,614,120 alleles (0.0024%); highest among the groups gnomAD compares: Admixed American, 0.005%; no homozygotes.

Submissions (3):

Labcorp Genetics (formerly Invitae), Labcorp
Classification: Likely benign for Hypokalemic periodic paralysis, type 1; Malignant hyperthermia, susceptibility to, 5. Last evaluated: 2025-12-16. Review status: criteria provided, single submitter. Criteria: Invitae Variant Classification Sherloc (09022015). Collection method: clinical testing. Allele origin: germline.

Color Diagnostics, LLC DBA Color Health
Classification: Uncertain significance for Malignant hyperthermia, susceptibility to, 5. Last evaluated: 2025-05-21. Review status: criteria provided, single submitter. Criteria: ACMG Guidelines, 2015. Collection method: clinical testing. Allele origin: germline.
Comment: This missense variant replaces arginine with glutamine at codon 262 of the CACNA1S protein. Computational prediction suggests that this variant may not impact protein structure and function. To our knowledge, functional studies have not been reported for this variant. This variant has not been reported in individuals affected with CACNA1S-related disorders in the literature. This variant has been identified in 6/282588 chromosomes in the general population by the Genome Aggregation Database (gnomAD). The available evidence is insufficient to determine the role of this variant in disease conclusively. Therefore, this variant is classified as a Variant of Uncertain Significance.

Illumina Laboratory Services, Illumina
Classification: Uncertain significance for Hypokalemic periodic paralysis, type 1. Last evaluated: 2018-01-13. Review status: criteria provided, single submitter. Criteria: ICSL Variant Classification Criteria 13 December 2019. Collection method: clinical testing. Allele origin: germline.

NM_000069.3(CACNA1S):c.785G>A (p.Arg262Gln)

Gene: CACNA1S (calcium voltage-gated channel subunit alpha1 S; minus strand). Cytogenetic location: 1q32.1.
Variant type: single nucleotide variant.
Coding change: c.785G>A on transcript NM_000069.3 (MANE Select); coding-DNA position 785, G replaced by A.
Protein change: p.Arg262Gln; replaces arginine 262 with glutamine.
Molecular consequence: missense variant.
Genome position (GRCh38, 1-based): chr1:201,089,373, C>T on the plus strand (G>A on the coding strand, the complement: CACNA1S is on the minus strand). VCF-style: chr1-201089373-C-T. GRCh37 (hg19) VCF-style: chr1-201058501-C-T.
Other names: short protein forms R262Q.
Identifiers: ClinVar variation 872558 (VCV000872558.20), dbSNP rs776311349, ClinGen allele CA083999.